The following is an entry in ClinVar:

ClinVar aggregate classification (germline): Uncertain significance (1 of 4 stars; one submission).

Conditions:
WDPCP-related disorder. Also called: WDPCP-related condition.

Submission:

PreventionGenetics, part of Exact Sciences
Classification: Uncertain significance for WDPCP-related condition. Last evaluated: 2025-06-06. Review status: criteria provided, single submitter. Criteria: ACMG Guidelines, 2015. Collection method: clinical testing. Allele origin: germline.
Comment: The WDPCP c.1409C>A variant is predicted to result in the amino acid substitution p.Pro470His. To our knowledge, this variant has not been reported in the literature or in a large population database (gnomAD), indicating this variant is rare. At this time, the clinical significance of this variant is uncertain due to the absence of conclusive functional and genetic evidence.

NM_015910.7(WDPCP):c.1409C>A (p.Pro470His)

Gene: WDPCP (WD repeat containing planar cell polarity effector; minus strand). Cytogenetic location: 2p15.
Variant type: single nucleotide variant.
Coding change: c.1409C>A on transcript NM_015910.7 (MANE Select); coding-DNA position 1409, C replaced by A.
Protein change: p.Pro470His; replaces proline 470 with histidine.
Molecular consequence: missense variant. On other transcripts: non-coding transcript variant (3).
Genome position (GRCh38, 1-based): chr2:63,404,074, G>T on the plus strand (C>A on the coding strand, the complement: WDPCP is on the minus strand). VCF-style: chr2-63404074-G-T. GRCh37 (hg19) VCF-style: chr2-63631209-G-T.
Other names: c.932C>A, p.Pro311His (NM_001042692.3); c.1337C>A, p.Pro446His (NM_001354044.2); c.1409C>A, p.Pro470His (NM_001354045.2); short protein forms P311H, P446H, P470H.
Identifiers: ClinVar variation 4998131 (VCV004998131.1).
Genomic context (GRCh38, chr2:63,404,074, plus strand): 5'-TTAATTTACTTACTCATCACTTTCCTTGACTTACCTAGTTTAAACAACAGCACACCCAAA[G>T]GTCCTCTTTCAAACCTGAGGAAGAGGAGATCATAGATATCACTACCTTCACCCTTCTGAG-3'
Protein context (NP_056994.3, residues 460-480): DLLFLRFERG[Pro470His]LGVLLFKLGV